The following is an entry in ClinVar:

NM_207361.6(FREM2):c.956A>T (p.Lys319Met)

Gene: FREM2 (FRAS1 related extracellular matrix 2; plus strand). Cytogenetic location: 13q13.3.
Variant type: single nucleotide variant.
Coding change: c.956A>T on transcript NM_207361.6 (MANE Select); coding-DNA position 956, A replaced by T.
Protein change: p.Lys319Met; replaces lysine 319 with methionine.
Molecular consequence: missense variant.
Genome position (GRCh38, 1-based): chr13:38,688,300, A>T. VCF-style: chr13-38688300-A-T. GRCh37 (hg19) VCF-style: chr13-39262437-A-T.
Other names: short protein forms K319M.
Identifiers: ClinVar variation 3575978 (VCV003575978.3).

ClinVar aggregate classification (germline): Uncertain significance. Review status: criteria provided, multiple submitters, no conflicts (2 of 4 stars). 2 submissions from 2 submitters: Uncertain significance (2). Last evaluated 2024-10-09.

Conditions:
Fraser syndrome 2 (FRASRS2). Identifiers: MedGen C4540036, MONDO:0054738, OMIM 617666.
Isolated cryptophthalmia. Also called: Cryptophthalmos, unilateral or bilateral, isolated; ANKYLOBLEPHARON, SIMPLE. Identifiers: Orphanet 91396, MedGen C1852453, MONDO:0007410, OMIM 123570.

gnomAD v4.1: 1 of 1,614,170 alleles (0.000062%); highest among the groups gnomAD compares: Non-Finnish European, 0.000085%; no homozygotes.

Submissions (2):

Labcorp Genetics (formerly Invitae), Labcorp
Classification: Uncertain significance. Last evaluated: 2024-10-09. Review status: criteria provided, single submitter. Criteria: Invitae Variant Classification Sherloc (09022015). Collection method: clinical testing. Allele origin: germline.
Comment: This sequence change replaces lysine, which is basic and polar, with methionine, which is neutral and non-polar, at codon 319 of the FREM2 protein (p.Lys319Met). This variant is not present in population databases (gnomAD no frequency). This variant has not been reported in the literature in individuals affected with FREM2-related conditions. Invitae Evidence Modeling of protein sequence and biophysical properties (such as structural, functional, and spatial information, amino acid conservation, physicochemical variation, residue mobility, and thermodynamic stability) indicates that this missense variant is not expected to disrupt FREM2 protein function with a negative predictive value of 80%. In summary, the available evidence is currently insufficient to determine the role of this variant in disease. Therefore, it has been classified as a Variant of Uncertain Significance.

Fulgent Genetics
Classification: Uncertain significance for Isolated cryptophthalmia; Fraser syndrome 2. Last evaluated: 2024-05-14. Review status: criteria provided, single submitter. Criteria: ACMG Guidelines, 2015. Collection method: clinical testing. Allele origin: germline.